The following is an entry in ClinVar:

NM_020754.4(ARHGAP31):c.3698A>T (p.Gln1233Leu)

Gene: ARHGAP31 (Rho GTPase activating protein 31; plus strand). Cytogenetic location: 3q13.33.
Variant type: single nucleotide variant.
Coding change: c.3698A>T on transcript NM_020754.4 (MANE Select); coding-DNA position 3698, A replaced by T.
Protein change: p.Gln1233Leu; replaces glutamine 1233 with leucine.
Molecular consequence: missense variant.
Genome position (GRCh38, 1-based): chr3:119,415,627, A>T. VCF-style: chr3-119415627-A-T. GRCh37 (hg19) VCF-style: chr3-119134474-A-T.
Other names: short protein forms Q1233L.
Identifiers: ClinVar variation 2083861 (VCV002083861.10), dbSNP rs779090775, ClinGen allele CA2554234.
Genomic context (GRCh38, chr3:119,415,627, plus strand): 5'-CACAGCCCCTGCCCTCTCAGAGCTCAGGGGAGAATGGGGTTCAGCCTCTGGAGAGGAGCC[A>T]GGAGGGACCCAGCTCAACCAGTGGGACCACTCAGAAACCTGCCAAAGATGATTCTCCCTC-3'
Protein context (NP_065805.2, residues 1223-1243): ENGVQPLERS[Gln1233Leu]EGPSSTSGTT

ClinVar aggregate classification (germline): Uncertain significance. Review status: criteria provided, multiple submitters, no conflicts (2 of 4 stars). 4 submissions from 4 submitters: Uncertain significance (4). Last evaluated 2026-08-01.

Conditions:
Adams-Oliver syndrome 1 (AOS1). Also called: ABSENCE DEFECT OF LIMBS, SCALP, AND SKULL; CONGENITAL SCALP DEFECTS WITH DISTAL LIMB REDUCTION ANOMALIES; APLASIA CUTIS CONGENITA WITH TERMINAL TRANSVERSE LIMB DEFECTS. Identifiers: Orphanet 974, MedGen C4551482, MONDO:0024506, OMIM 100300.

Allele frequency attached by ClinVar (database versions not stated): ExAC 0.00001; gnomAD 0.00008; TOPMed 0.00008.
gnomAD v4.1: 23 of 1,614,052 alleles (0.0014%); highest among the groups gnomAD compares: African/African-American, 0.019%; no homozygotes.

Submissions (4):

CeGaT Center for Human Genetics Tuebingen
Classification: Uncertain significance. Last evaluated: 2026-08-01. Review status: criteria provided, single submitter. Criteria: CeGaT Center For Human Genetics Tuebingen Variant Classification Criteria Version 2. Collection method: clinical testing. Allele origin: germline. Affected: yes. Observed: 1 variant allele.
Comment: ARHGAP31: PM2, BP4

Labcorp Genetics (formerly Invitae), Labcorp
Classification: Uncertain significance. Last evaluated: 2025-02-24. Review status: criteria provided, single submitter. Criteria: Invitae Variant Classification Sherloc (09022015). Collection method: clinical testing. Allele origin: germline.
Comment: This sequence change replaces glutamine, which is neutral and polar, with leucine, which is neutral and non-polar, at codon 1233 of the ARHGAP31 protein (p.Gln1233Leu). This variant is present in population databases (rs779090775, gnomAD 0.006%). This variant has not been reported in the literature in individuals affected with ARHGAP31-related conditions. ClinVar contains an entry for this variant (Variation ID: 2083861). An algorithm developed to predict the effect of missense changes on protein structure and function (PolyPhen-2) suggests that this variant is likely to be tolerated. In summary, the available evidence is currently insufficient to determine the role of this variant in disease. Therefore, it has been classified as a Variant of Uncertain Significance.

Women's Health and Genetics/Laboratory Corporation of America, LabCorp
Classification: Uncertain significance. Last evaluated: 2024-02-19. Review status: criteria provided, single submitter. Criteria: LabCorp Variant Classification Summary - May 2015. Collection method: clinical testing. Allele origin: germline.
Comment: Variant summary: ARHGAP31 c.3698A>T (p.Gln1233Leu) results in a non-conservative amino acid change in the encoded protein sequence. Four of five in-silico tools predict a benign effect of the variant on protein function. The variant allele was found at a frequency of 8e-06 in 249074 control chromosomes. The available data on variant occurrences in the general population are insufficient to allow any conclusion about variant significance. To our knowledge, no occurrence of c.3698A>T in individuals affected with Adams-Oliver Syndrome 1 and no experimental evidence demonstrating its impact on protein function have been reported. ClinVar contains an entry for this variant (Variation ID: 2083861). Based on the evidence outlined above, the variant was classified as uncertain significance.

Revvity Omics, Revvity
Classification: Uncertain significance for Adams-Oliver syndrome 1. Last evaluated: 2023-01-09. Review status: criteria provided, single submitter. Criteria: ACMG Guidelines, 2015. Collection method: clinical testing. Allele origin: germline.